The following is an entry in ClinVar:

ClinVar aggregate classification (germline): Uncertain significance (1 of 4 stars; one submission).

Submission:

GeneDx
Classification: Uncertain significance. Last evaluated: 2023-01-30. Review status: criteria provided, single submitter. Criteria: GeneDx Variant Classification Process June 2021. Collection method: clinical testing. Allele origin: germline. Affected: yes.
Comment: Not observed at significant frequency in large population cohorts (gnomAD); In silico analysis supports that this missense variant has a deleterious effect on protein structure/function; Has not been previously published as pathogenic or benign to our knowledge

NM_001385012.1(NBEA):c.8872C>T (p.Arg2958Trp)

Gene: NBEA (neurobeachin; plus strand). Cytogenetic location: 13q13.3.
Variant type: single nucleotide variant.
Coding change: c.8872C>T on transcript NM_001385012.1 (MANE Select); coding-DNA position 8872, C replaced by T.
Protein change: p.Arg2958Trp; replaces arginine 2958 with tryptophan.
Molecular consequence: missense variant.
Genome position (GRCh38, 1-based): chr13:35,670,959, C>T. VCF-style: chr13-35670959-C-T. GRCh37 (hg19) VCF-style: chr13-36245096-C-T.
Other names: c.2188C>T, p.Arg730Trp (NM_001204197.3); c.8863C>T, p.Arg2955Trp (NM_001379245.1); c.8809C>T, p.Arg2937Trp (NM_015678.5); short protein forms R2937W, R2955W, R2958W, R730W.
Identifiers: ClinVar variation 2574199 (VCV002574199.1), dbSNP rs890488256, ClinGen allele CA387843800.